The following is an entry in ClinVar:

NM_015378.4(VPS13D):c.12467G>T (p.Gly4156Val)

Gene: VPS13D (vacuolar protein sorting 13 homolog D; plus strand). Cytogenetic location: 1p36.22.
Variant type: single nucleotide variant.
Coding change: c.12467G>T on transcript NM_015378.4 (MANE Select); coding-DNA position 12467, G replaced by T.
Protein change: p.Gly4156Val; replaces glycine 4156 with valine.
Molecular consequence: missense variant.
Genome position (GRCh38, 1-based): chr1:12,460,201, G>T. VCF-style: chr1-12460201-G-T. GRCh37 (hg19) VCF-style: chr1-12520256-G-T.
Other names: c.12392G>T, p.Gly4131Val (NM_018156.4); short protein forms G4131V, G4156V.
Identifiers: ClinVar variation 1719101 (VCV001719101.5), dbSNP rs2521964214, ClinGen allele CA338486583.

ClinVar aggregate classification (germline): Uncertain significance (1 of 4 stars; one submission).

Submission:

Labcorp Genetics (formerly Invitae), Labcorp
Classification: Uncertain significance. Last evaluated: 2022-11-15. Review status: criteria provided, single submitter. Criteria: Invitae Variant Classification Sherloc (09022015). Collection method: clinical testing. Allele origin: germline.
Comment: In summary, the available evidence is currently insufficient to determine the role of this variant in disease. Therefore, it has been classified as a Variant of Uncertain Significance. Algorithms developed to predict the effect of sequence changes on RNA splicing suggest that this variant may disrupt the consensus splice site. Algorithms developed to predict the effect of missense changes on protein structure and function are either unavailable or do not agree on the potential impact of this missense change (SIFT: "Not Available"; PolyPhen-2: "Probably Damaging"; Align-GVGD: "Not Available"). This variant has not been reported in the literature in individuals affected with VPS13D-related conditions. This variant is not present in population databases (gnomAD no frequency). This sequence change replaces glycine, which is neutral and non-polar, with valine, which is neutral and non-polar, at codon 4156 of the VPS13D protein (p.Gly4156Val).